The following is an entry in ClinVar:

NM_144672.4(OTOA):c.1141C>G (p.Gln381Glu)

Gene: OTOA (otoancorin). Cytogenetic location: 16p12.2.
Variant type: single nucleotide variant.
Coding change: c.1141C>G on transcript NM_144672.4 (MANE Select); coding-DNA position 1141, C replaced by G.
Protein change: p.Gln381Glu; replaces glutamine 381 with glutamic acid.
Molecular consequence: missense variant.
Genome position (GRCh38, 1-based): chr16:21,709,924, C>G. VCF-style: chr16-21709924-C-G. GRCh37 (hg19) VCF-style: chr16-21721245-C-G.
Other names: c.904C>G, p.Gln302Glu (NM_001161683.2); c.169C>G, p.Gln57Glu (NM_170664.3); short protein forms Q381E, Q57E, Q302E.
Identifiers: ClinVar variation 178846 (VCV000178846.38), dbSNP rs377581131, ClinGen allele CA183146.
Genomic context (GRCh38, chr16:21,709,924, plus strand): 5'-CATTCCAGTTTGCTCTCCTTCCAGCTCAAAGCAGAACTCCTGGACATTGCCATGGAGAAC[C>G]AGACCCTCAATGAGACCCTGGGTTCTTTGTCGGATGCAGTTGTAGGTTTGACCTACAGCC-3'
Protein context (NP_653273.3, residues 371-391): AELLDIAMEN[Gln381Glu]TLNETLGSLS

ClinVar aggregate classification (germline): Benign/Likely benign. Review status: criteria provided, multiple submitters, no conflicts (2 of 4 stars). 5 submissions from 5 submitters: Benign (3); Likely benign (1). 1 of the submissions does not count toward it. Last evaluated 2026-01-28.

Conditions:
Usher syndrome. Also called: Usher Syndromes; Usher's syndrome. Identifiers: Orphanet 886, MedGen CN469326, MeSH D052245, MONDO:0019501. Disease mechanism: loss of function.

Allele frequency attached by ClinVar (database versions not stated): gnomAD 0.00002 and 0.00121; TOPMed 0.00022; gnomAD exomes 0.00211 and 0.00424; ExAC 0.00468; 1000 Genomes Project 30x 0.00843; 1000 Genomes Project 0.00899.
gnomAD v4.1: 3,269 of 1,614,030 alleles (0.2%); highest among the groups gnomAD compares: South Asian, 3.4%; 78 homozygotes.

Submissions (5):

Labcorp Genetics (formerly Invitae), Labcorp
Classification: Benign. Last evaluated: 2026-01-28. Review status: criteria provided, single submitter. Criteria: Invitae Variant Classification Sherloc (09022015). Collection method: clinical testing. Allele origin: germline.

GeneDx
Classification: Benign. Last evaluated: 2018-11-19. Review status: criteria provided, single submitter. Criteria: GeneDx Variant Classification Process June 2021. Collection method: clinical testing. Allele origin: germline. Affected: yes.
Comment: This variant is associated with the following publications: (PMID: 23173898)

Laboratory for Molecular Medicine, Mass General Brigham Personalized Medicine
Classification: Benign. Last evaluated: 2015-11-23. Review status: criteria provided, single submitter. Criteria: LMM Criteria. Collection method: clinical testing. Allele origin: germline. Observed: 4 variant alleles.
Comment: p.Gln381Glu in exon 12 of OTOA: This variant is not expected to have clinical si gnificance because it has been identified in 3.4% (558/16510) of South Asian chr omosomes by the Exome Aggregation Consortium (ExAC. org; dbSNP rs377581131).

PreventionGenetics, part of Exact Sciences
Classification: Likely benign. Review status: criteria provided, single submitter. Criteria: ACMG Guidelines, 2015. Collection method: clinical testing. Allele origin: germline.

SN ONGC Dept of Genetics and Molecular biology Vision Research Foundation
Classification: Likely pathogenic for Usher syndrome. Last evaluated: 2022-12-31. Review status: flagged submission. Criteria: ACMG Guidelines, 2015. Collection method: research. Allele origin: unknown. Affected: yes. Observed: 2 variant alleles, 2 homozygotes. Not counted in ClinVar's aggregate classification.
ClinVar note: Reason: Outlier claim with insufficient supporting evidence

Literature cited by the submitters: PubMed 23173898 (cited by Laboratory for Molecular Medicine, Mass General Brigham Personalized Medicine).